The following is an entry in ClinVar:

NM_000257.4(MYH7):c.2266T>C (p.Tyr756His)

Gene: MYH7 (myosin heavy chain 7; minus strand). Cytogenetic location: 14q11.2.
Variant type: single nucleotide variant.
Coding change: c.2266T>C on transcript NM_000257.4 (MANE Select); coding-DNA position 2266, T replaced by C.
Protein change: p.Tyr756His; replaces tyrosine 756 with histidine.
Molecular consequence: missense variant.
Genome position (GRCh38, 1-based): chr14:23,425,715, A>G on the plus strand (T>C on the coding strand, the complement: MYH7 is on the minus strand). VCF-style: chr14-23425715-A-G. GRCh37 (hg19) VCF-style: chr14-23894924-A-G.
Other names: c.2266T>C, p.Tyr756His (NM_001407004.1); short protein forms Y756H.
Identifiers: ClinVar variation 1788710 (VCV001788710.3), dbSNP rs1223446575, ClinGen allele CA389048786.

ClinVar aggregate classification (germline): Uncertain significance. Review status: criteria provided, multiple submitters, no conflicts (2 of 4 stars). 2 submissions from 2 submitters: Uncertain significance (2). Last evaluated 2023-08-15.

Conditions:
Cardiovascular phenotype. Identifiers: MedGen CN230736.
Cardiomyopathy (CMYO). Also called: Cardiomyopathies. Identifiers: Orphanet 167848, MedGen C0878544, MONDO:0004994, HP:0001638. Inheritance: Various modes of inheritance.

Allele frequency attached by ClinVar (database versions not stated): gnomAD exomes below 0.00001.
gnomAD v4.1: 2 of 1,613,952 alleles (0.00012%); highest among the groups gnomAD compares: Non-Finnish European, 0.00017%; no homozygotes.

Submissions (2):

All of Us Research Program, National Institutes of Health
Classification: Uncertain significance for Cardiomyopathy. Last evaluated: 2023-08-15. Review status: criteria provided, single submitter. Criteria: ACMG Guidelines, 2015. Collection method: clinical testing. Allele origin: germline. Inheritance: Autosomal dominant inheritance. Observed: 1 variant allele, 1 heterozygote.
Comment: This missense variant replaces tyrosine with histidine at codon 756 of the MYH7 protein. Computational prediction suggests that this variant may have a deleterious impact on protein structure and function (internally defined REVEL score threshold >= 0.7, PMID: 27666373). This variant is found within a highly conserved region of the myosin head domain. Missense variants in this region have been shown to be significantly overrepresented in individuals with hypertrophic cardiomyopathy (PMID: 27532257). To our knowledge, functional studies have not been reported for this variant. This variant has not been reported in individuals affected with MYH7-related disorders in the literature. This variant has not been identified in the general population by the Genome Aggregation Database (gnomAD). The available evidence is insufficient to determine the role of this variant in disease conclusively. Therefore, this variant is classified as a Variant of Uncertain Significance.

This study involves interpretation of variants in research participants for the purpose of population health screening. Participant phenotype was not available at the time of variant classification. Additional details can be found in publication PMID: 35346344, PMCID: PMC8962531

Ambry Genetics
Classification: Uncertain significance for Cardiovascular phenotype. Last evaluated: 2020-07-09. Review status: criteria provided, single submitter. Criteria: Ambry Variant Classification Scheme 2023. Collection method: clinical testing. Allele origin: germline.
Comment: The p.Y756H variant (also known as c.2266T>C), located in coding exon 18 of the MYH7 gene, results from a T to C substitution at nucleotide position 2266. The tyrosine at codon 756 is replaced by histidine, an amino acid with similar properties, and is located in the head (motor) domain. This amino acid position is highly conserved in available vertebrate species. In addition, this alteration is predicted to be deleterious by in silico analysis. Since supporting evidence is limited at this time, the clinical significance of this alteration remains unclear.

Literature cited by the submitters: PubMed 27532257 (cited by All of Us Research Program, National Institutes of Health).